The following is an entry in ClinVar:

ClinVar aggregate classification (germline): Uncertain significance (1 of 4 stars; one submission).

Conditions:
Hereditary cancer-predisposing syndrome. Also called: Neoplastic Syndromes, Hereditary; Hereditary Cancer Syndrome; Tumor predisposition; Hereditary neoplastic syndrome. Identifiers: Orphanet 140162, MedGen C0027672, MeSH D009386, MONDO:0015356.

Allele frequency attached by ClinVar (database versions not stated): gnomAD exomes below 0.00001; ExAC 0.00001.
gnomAD v4.1: 1 of 1,614,162 alleles (0.000062%); highest among the groups gnomAD compares: Non-Finnish European, 0.000085%; no homozygotes.

Submission:

Ambry Genetics
Classification: Uncertain significance for Hereditary cancer-predisposing syndrome. Last evaluated: 2023-02-23. Review status: criteria provided, single submitter. Criteria: Ambry Variant Classification Scheme 2023. Collection method: clinical testing. Allele origin: germline.
Comment: The p.H562Y variant (also known as c.1684C>T), located in coding exon 15 of the NF2 gene, results from a C to T substitution at nucleotide position 1684. The histidine at codon 562 is replaced by tyrosine, an amino acid with similar properties. This amino acid position is conserved. In addition, this alteration is predicted to be deleterious by in silico analysis. Since supporting evidence is limited at this time, the clinical significance of this alteration remains unclear.

NM_000268.4(NF2):c.1684C>T (p.His562Tyr)

Gene: NF2 (NF2, moesin-ezrin-radixin like (MERLIN) tumor suppressor; plus strand). Cytogenetic location: 22q12.2.
Variant type: single nucleotide variant.
Coding change: c.1684C>T on transcript NM_000268.4 (MANE Select); coding-DNA position 1684, C replaced by T.
Protein change: p.His562Tyr; replaces histidine 562 with tyrosine.
Molecular consequence: missense variant. On other transcripts: intron variant (3).
Genome position (GRCh38, 1-based): chr22:29,681,548, C>T. VCF-style: chr22-29681548-C-T. GRCh37 (hg19) VCF-style: chr22-30077537-C-T.
Other names: c.1570C>T, p.His524Tyr (NM_001407053.1, NM_001407056.1); c.1561C>T, p.His521Tyr (NM_001407054.1, NM_001407058.1, NM_181829.3); c.1558C>T, p.His520Tyr (NM_001407055.1, NM_181828.3); c.1549C>T, p.His517Tyr (NM_001407057.1, NM_001407059.1); c.1426C>T, p.His476Tyr (NM_001407062.1); c.1435C>T, p.His479Tyr (NM_001407063.1, NM_181830.3, NM_181831.3); c.1150C>T, p.His384Tyr (NM_001407065.1); c.1684C>T, p.His562Tyr (NM_001407066.1, NM_016418.5, NM_181825.3 and 1 more transcripts); and 4 more; short protein forms H485Y, H517Y, H521Y, H384Y, H479Y, H562Y, H520Y, H476Y.
Identifiers: ClinVar variation 2447479 (VCV002447479.2), dbSNP rs778127814, ClinGen allele CA032603.